The following is an entry in ClinVar:

ClinVar aggregate classification (germline): Uncertain significance (1 of 4 stars; one submission).

Conditions:
Peutz-Jeghers syndrome (PJS). Also called: POLYPOSIS, HAMARTOMATOUS INTESTINAL; POLYPS-AND-SPOTS SYNDROME; Peutz-Jeghers polyposis; Periorificial lentiginosis syndrome. Identifiers: Orphanet 2869, MedGen C0031269, MeSH D010580, MONDO:0008280, OMIM 175200.

Submission:

Labcorp Genetics (formerly Invitae), Labcorp
Classification: Uncertain significance for Peutz-Jeghers syndrome. Last evaluated: 2022-01-26. Review status: criteria provided, single submitter. Criteria: Invitae Variant Classification Sherloc (09022015). Collection method: clinical testing. Allele origin: germline.
Comment: This sequence change replaces proline, which is neutral and non-polar, with alanine, which is neutral and non-polar, at codon 314 of the STK11 protein (p.Pro314Ala). The frequency data for this variant in the population databases is considered unreliable, as metrics indicate poor data quality at this position in the gnomAD database. This variant has not been reported in the literature in individuals affected with STK11-related conditions. ClinVar contains an entry for this variant (Variation ID: 1055666). Advanced modeling of protein sequence and biophysical properties (such as structural, functional, and spatial information, amino acid conservation, physicochemical variation, residue mobility, and thermodynamic stability) performed at Invitae indicates that this missense variant is not expected to disrupt STK11 protein function. In summary, the available evidence is currently insufficient to determine the role of this variant in disease. Therefore, it has been classified as a Variant of Uncertain Significance.

NM_000455.5(STK11):c.940C>G (p.Pro314Ala)

Gene: STK11 (serine/threonine kinase 11; plus strand). Cytogenetic location: 19p13.3.
Variant type: single nucleotide variant.
Coding change: c.940C>G on transcript NM_000455.5 (MANE Select); coding-DNA position 940, C replaced by G.
Protein change: p.Pro314Ala; replaces proline 314 with alanine.
Molecular consequence: missense variant.
Genome position (GRCh38, 1-based): chr19:1,223,004, C>G. VCF-style: chr19-1223004-C-G. GRCh37 (hg19) VCF-style: chr19-1223003-C-G.
Other names: short protein forms P314A.
Identifiers: ClinVar variation 1055666 (VCV001055666.10), dbSNP rs758416485, ClinGen allele CA402951487.